The following is an entry in ClinVar:

ClinVar aggregate classification (germline): Uncertain significance. Review status: criteria provided, multiple submitters, no conflicts (2 of 4 stars). 3 submissions from 3 submitters: Uncertain significance (3). Last evaluated 2026-02-27.

Conditions:
Inborn genetic diseases. Identifiers: MedGen C0950123, MeSH D030342.

Allele frequency attached by ClinVar (database versions not stated): gnomAD 0.00001; gnomAD exomes 0.00001 and 0.00002; ExAC 0.00002; TOPMed 0.00003; ESP Exome Variant Server 0.00008.

Submissions (3):

GeneDx
Classification: Uncertain significance. Last evaluated: 2026-02-27. Review status: criteria provided, single submitter. Criteria: GeneDx Variant Classification Process June 2021. Collection method: clinical testing. Allele origin: germline.
Comment: Not observed at significant frequency in large population cohorts (gnomAD); In silico analysis suggests that this missense variant does not alter protein structure/function; Has not been previously published as pathogenic or benign to our knowledge

Ambry Genetics
Classification: Uncertain significance for Inborn genetic diseases. Last evaluated: 2025-12-09. Review status: criteria provided, single submitter. Criteria: Ambry Variant Classification Scheme 2023. Collection method: clinical testing. Allele origin: germline.

Labcorp Genetics (formerly Invitae), Labcorp
Classification: Uncertain significance. Last evaluated: 2021-10-23. Review status: criteria provided, single submitter. Criteria: Invitae Variant Classification Sherloc (09022015). Collection method: clinical testing. Allele origin: germline.
Comment: This sequence change replaces glutamine with histidine at codon 503 of the ASNS protein (p.Gln503His). The glutamine residue is moderately conserved and there is a small physicochemical difference between glutamine and histidine. This variant is present in population databases (rs372844492, ExAC 0.003%). This variant has not been reported in the literature in individuals with ASNS-related conditions. Algorithms developed to predict the effect of missense changes on protein structure and function (SIFT, PolyPhen-2, Align-GVGD) all suggest that this variant is likely to be tolerated, but these predictions have not been confirmed by published functional studies and their clinical significance is uncertain. In summary, the available evidence is currently insufficient to determine the role of this variant in disease. Therefore, it has been classified as a Variant of Uncertain Significance.

NM_001673.5(ASNS):c.1509G>C (p.Gln503His)

Genes: ASNS (asparagine synthetase (glutamine-hydrolyzing); minus strand), CZ1P-ASNS (CZ1P-ASNS readthrough; minus strand). Cytogenetic location: 7q21.3.
Variant type: single nucleotide variant.
Coding change: c.1509G>C on transcript NM_001673.5 (MANE Select); coding-DNA position 1509, G replaced by C.
Protein change: p.Gln503His; replaces glutamine 503 with histidine.
Molecular consequence: missense variant. On other transcripts: non-coding transcript variant (1).
Genome position (GRCh38, 1-based): chr7:97,852,436, C>G on the plus strand (G>C on the coding strand, the complement: ASNS is on the minus strand). VCF-style: chr7-97852436-C-G. GRCh37 (hg19) VCF-style: chr7-97481748-C-G.
Other names: c.1446G>C, p.Gln482His (NM_001178075.2); c.1260G>C, p.Gln420His (NM_001178076.2, NM_001178077.1); c.1509G>C, p.Gln503His (NM_001352496.2, NM_133436.3, NM_183356.4); short protein forms Q503H, Q482H, Q420H.
Identifiers: ClinVar variation 1450086 (VCV001450086.5), dbSNP rs372844492, ClinGen allele CA4354485.